The following is an entry in ClinVar:

ClinVar aggregate classification (germline): Uncertain significance (1 of 4 stars; one submission).

Conditions:
Progressive myoclonic epilepsy type 3. Also called: KCTD7-Related Progressive Myoclonic Epilepsy; EPILEPSY, PROGRESSIVE MYOCLONIC, 3, WITH OR WITHOUT INTRACELLULAR INCLUSIONS; CEROID LIPOFUSCINOSIS, NEURONAL, 14; EPILEPSY, PROGRESSIVE MYOCLONIC, 3, WITHOUT INTRACELLULAR INCLUSIONS. Identifiers: Orphanet 263516, MedGen C2673257, MONDO:0012721, OMIM 611726.

Submission:

Labcorp Genetics (formerly Invitae), Labcorp
Classification: Uncertain significance for Progressive myoclonic epilepsy type 3. Last evaluated: 2021-08-18. Review status: criteria provided, single submitter. Criteria: Invitae Variant Classification Sherloc (09022015). Collection method: clinical testing. Allele origin: germline.
Comment: In summary, the available evidence is currently insufficient to determine the role of this variant in disease. Therefore, it has been classified as a Variant of Uncertain Significance. Algorithms developed to predict the effect of missense changes on protein structure and function are either unavailable or do not agree on the potential impact of this missense change (SIFT: "Deleterious"; PolyPhen-2: "Probably Damaging"; Align-GVGD: "Class C0"). This variant has not been reported in the literature in individuals affected with KCTD7-related conditions. This variant is not present in population databases (ExAC no frequency). This sequence change replaces valine with phenylalanine at codon 52 of the KCTD7 protein (p.Val52Phe). The valine residue is highly conserved and there is a small physicochemical difference between valine and phenylalanine.

NM_153033.5(KCTD7):c.154G>T (p.Val52Phe)

Gene: KCTD7 (potassium channel tetramerization domain containing 7; plus strand). Cytogenetic location: 7q11.21.
Variant type: single nucleotide variant.
Coding change: c.154G>T on transcript NM_153033.5 (MANE Select); coding-DNA position 154, G replaced by T.
Protein change: p.Val52Phe; replaces valine 52 with phenylalanine.
Molecular consequence: missense variant.
Genome position (GRCh38, 1-based): chr7:66,633,284, G>T. VCF-style: chr7-66633284-G-T. GRCh37 (hg19) VCF-style: chr7-66098271-G-T.
Other names: c.154G>T, p.Val52Phe (NM_001167961.2); short protein forms V52F.
Identifiers: ClinVar variation 1470709 (VCV001470709.6), dbSNP rs2116763711, ClinGen allele CA367695453.